The following is an entry in ClinVar:

NM_182493.3(MYLK3):c.920G>A (p.Gly307Glu)

Gene: MYLK3 (myosin light chain kinase 3; minus strand). Cytogenetic location: 16q11.2.
Variant type: single nucleotide variant.
Coding change: c.920G>A on transcript NM_182493.3 (MANE Select); coding-DNA position 920, G replaced by A.
Protein change: p.Gly307Glu; replaces glycine 307 with glutamic acid.
Molecular consequence: missense variant. On other transcripts: intron variant (1).
Genome position (GRCh38, 1-based): chr16:46,737,792, C>T on the plus strand (G>A on the coding strand, the complement: MYLK3 is on the minus strand). VCF-style: chr16-46737792-C-T. GRCh37 (hg19) VCF-style: chr16-46771704-C-T.
Other names: c.-23+2265G>A (NM_001308301.1); short protein forms G307E.
Identifiers: ClinVar variation 1901455 (VCV001901455.5), dbSNP rs1190799016, ClinGen allele CA395793965.

ClinVar aggregate classification (germline): Uncertain significance (1 of 4 stars; one submission).

Allele frequency attached by ClinVar (database versions not stated): gnomAD exomes below 0.00001.
gnomAD v4.1: 2 of 1,612,372 alleles (0.00012%); highest among the groups gnomAD compares: Admixed American, 0.0033%; no homozygotes.

Submission:

Labcorp Genetics (formerly Invitae), Labcorp
Classification: Uncertain significance. Last evaluated: 2024-03-04. Review status: criteria provided, single submitter. Criteria: Invitae Variant Classification Sherloc (09022015). Collection method: clinical testing. Allele origin: germline.
Comment: This sequence change replaces glycine, which is neutral and non-polar, with glutamic acid, which is acidic and polar, at codon 307 of the MYLK3 protein (p.Gly307Glu). This variant is present in population databases (no rsID available, gnomAD 0.006%). This variant has not been reported in the literature in individuals affected with MYLK3-related conditions. ClinVar contains an entry for this variant (Variation ID: 1901455). Algorithms developed to predict the effect of missense changes on protein structure and function output the following: SIFT: "Not Available"; PolyPhen-2: "Benign"; Align-GVGD: "Not Available". The glutamic acid amino acid residue is found in multiple mammalian species, which suggests that this missense change does not adversely affect protein function. In summary, the available evidence is currently insufficient to determine the role of this variant in disease. Therefore, it has been classified as a Variant of Uncertain Significance.